The following is an entry in ClinVar:

NM_001184.4(ATR):c.2456A>T (p.Asp819Val)

Gene: ATR (ATR serine/threonine kinase; minus strand). Cytogenetic location: 3q23.
Variant type: single nucleotide variant.
Coding change: c.2456A>T on transcript NM_001184.4 (MANE Select); coding-DNA position 2456, A replaced by T.
Protein change: p.Asp819Val; replaces aspartic acid 819 with valine.
Molecular consequence: missense variant.
Genome position (GRCh38, 1-based): chr3:142,553,901, T>A on the plus strand (A>T on the coding strand, the complement: ATR is on the minus strand). VCF-style: chr3-142553901-T-A. GRCh37 (hg19) VCF-style: chr3-142272743-T-A.
Other names: c.2264A>T, p.Asp755Val (NM_001354579.2); short protein forms D755V, D819V.
Identifiers: ClinVar variation 3331871 (VCV003331871.1).
Genomic context (GRCh38, chr3:142,553,901, plus strand): 5'-TCTTCAGAGTCCAAGGATTCCAATATGTGCTTGATATTTCCACTAAAAGCCACTCTAACA[T>A]CTTTGTCTGGATCTTCCATTAAATTTAATAAAGTTCCAAGAACTGCTTTTACATCTGTTT-3'
Protein context (NP_001175.2, residues 809-829): LLNLMEDPDK[Asp819Val]VRVAFSGNIK

ClinVar aggregate classification (germline): Uncertain significance (1 of 4 stars; one submission).

Conditions:
Inborn genetic diseases. Identifiers: MedGen C0950123, MeSH D030342.

Submission:

Ambry Genetics
Classification: Uncertain significance for Inborn genetic diseases. Last evaluated: 2024-05-08. Review status: criteria provided, single submitter. Criteria: Ambry Variant Classification Scheme 2023. Collection method: clinical testing. Allele origin: germline.
Comment: The p.D819V variant (also known as c.2456A>T), located in coding exon 11 of the ATR gene, results from an A to T substitution at nucleotide position 2456. The aspartic acid at codon 819 is replaced by valine, an amino acid with highly dissimilar properties. This amino acid position is conserved. In addition, the in silico prediction for this alteration is inconclusive. Based on the available evidence, the clinical significance of this variant remains unclear.